The following is an entry in ClinVar:

ClinVar aggregate classification (germline): Likely benign. Review status: criteria provided, multiple submitters, no conflicts (2 of 4 stars). 6 submissions from 6 submitters: Likely benign (5). 1 of the submissions does not count toward it. Last evaluated 2026-01-19.

Conditions:
Inborn genetic diseases. Identifiers: MedGen C0950123, MeSH D030342.
MTOR-related disorder. Also called: MTOR-related condition.

Allele frequency attached by ClinVar (database versions not stated): gnomAD exomes 0.00005 and 0.00012; gnomAD 0.00006; TOPMed 0.00011; ExAC 0.00014; 1000 Genomes Project 30x 0.00016; 1000 Genomes Project 0.00020.
gnomAD v4.1: 85 of 1,614,152 alleles (0.0053%); highest among the groups gnomAD compares: Middle Eastern, 0.05%; no homozygotes.

Submissions (6):

Labcorp Genetics (formerly Invitae), Labcorp
Classification: Likely benign. Last evaluated: 2026-01-19. Review status: criteria provided, single submitter. Criteria: Invitae Variant Classification Sherloc (09022015). Collection method: clinical testing. Allele origin: germline.

Ambry Genetics
Classification: Likely benign for Inborn genetic diseases. Last evaluated: 2023-12-12. Review status: criteria provided, single submitter. Criteria: Ambry Variant Classification Scheme 2023. Collection method: clinical testing. Allele origin: germline.

CeGaT Center for Human Genetics Tuebingen
Classification: Likely benign. Last evaluated: 2023-08-01. Review status: criteria provided, single submitter. Criteria: CeGaT Center For Human Genetics Tuebingen Variant Classification Criteria Version 2. Collection method: clinical testing. Allele origin: germline. Affected: yes. Observed: 2 variant alleles.
Comment: MTOR: BS2

Blueprint Genetics
Classification: Likely benign. Last evaluated: 2023-05-30. Review status: criteria provided, single submitter. Criteria: ACMG Guidelines, 2015. Collection method: clinical testing. Allele origin: germline.

GeneDx
Classification: Likely benign. Last evaluated: 2021-02-01. Review status: criteria provided, single submitter. Criteria: GeneDx Variant Classification Process June 2021. Collection method: clinical testing. Allele origin: germline. Affected: yes.
Comment: This variant is associated with the following publications: (PMID: 31780880)

PreventionGenetics, part of Exact Sciences
Classification: Likely benign for MTOR-related condition. Last evaluated: 2022-04-28. Review status: no assertion criteria provided. Collection method: clinical testing. Allele origin: germline. Not counted in ClinVar's aggregate classification.
Comment: This variant is classified as likely benign based on ACMG/AMP sequence variant interpretation guidelines (Richards et al. 2015 PMID: 25741868, with internal and published modifications).

NM_004958.4(MTOR):c.5197G>A (p.Ala1733Thr)

Gene: MTOR (mechanistic target of rapamycin kinase; minus strand). Cytogenetic location: 1p36.22.
Variant type: single nucleotide variant.
Coding change: c.5197G>A on transcript NM_004958.4 (MANE Select); coding-DNA position 5197, G replaced by A.
Protein change: p.Ala1733Thr; replaces alanine 1733 with threonine.
Molecular consequence: missense variant.
Genome position (GRCh38, 1-based): chr1:11,134,400, C>T on the plus strand (G>A on the coding strand, the complement: MTOR is on the minus strand). VCF-style: chr1-11134400-C-T. GRCh37 (hg19) VCF-style: chr1-11194457-C-T.
Other names: short protein forms A1733T.
Identifiers: ClinVar variation 1004066 (VCV001004066.48), dbSNP rs201557303, ClinGen allele CA589423.